The following is an entry in ClinVar:

ClinVar aggregate classification (germline): Uncertain significance (1 of 4 stars; one submission).

Conditions:
Pityriasis rubra pilaris (PRP). Also called: Pityriasis rubra pilaris--familial type. Identifiers: Orphanet 2897, MedGen C0032027, MONDO:0100017, OMIM 173200, MONDO:0008251.
Psoriasis 2. Identifiers: MedGen C1864497, MONDO:0011269, OMIM 602723.

gnomAD v4.1: 7 of 1,613,948 alleles (0.00043%); highest among the groups gnomAD compares: Non-Finnish European, 0.00059%; no homozygotes.

Submission:

Labcorp Genetics (formerly Invitae), Labcorp
Classification: Uncertain significance for Pityriasis rubra pilaris; Psoriasis 2. Last evaluated: 2024-09-28. Review status: criteria provided, single submitter. Criteria: Invitae Variant Classification Sherloc (09022015). Collection method: clinical testing. Allele origin: germline.
Comment: This sequence change replaces arginine, which is basic and polar, with serine, which is neutral and polar, at codon 373 of the CARD14 protein (p.Arg373Ser). This variant is present in population databases (rs754322294, gnomAD 0.0009%). This variant has not been reported in the literature in individuals affected with CARD14-related conditions. Invitae Evidence Modeling of protein sequence and biophysical properties (such as structural, functional, and spatial information, amino acid conservation, physicochemical variation, residue mobility, and thermodynamic stability) indicates that this missense variant is not expected to disrupt CARD14 protein function with a negative predictive value of 80%. In summary, the available evidence is currently insufficient to determine the role of this variant in disease. Therefore, it has been classified as a Variant of Uncertain Significance.

NM_001366385.1(CARD14):c.1119G>C (p.Arg373Ser)

Gene: CARD14 (caspase recruitment domain family member 14; plus strand). Cytogenetic location: 17q25.3.
Variant type: single nucleotide variant.
Coding change: c.1119G>C on transcript NM_001366385.1 (MANE Select); coding-DNA position 1119, G replaced by C.
Protein change: p.Arg373Ser; replaces arginine 373 with serine.
Molecular consequence: missense variant. On other transcripts: non-coding transcript variant (1).
Genome position (GRCh38, 1-based): chr17:80,191,352, G>C. VCF-style: chr17-80191352-G-C. GRCh37 (hg19) VCF-style: chr17-78165151-G-C.
Other names: c.1119G>C, p.Arg373Ser (NM_001257970.1, NM_024110.4); c.408G>C, p.Arg136Ser (NM_052819.3); short protein forms R136S, R373S.
Identifiers: ClinVar variation 3752549 (VCV003752549.2).